The following is an entry in ClinVar:

ClinVar aggregate classification (germline): Uncertain significance (1 of 4 stars; one submission).

Allele frequency attached by ClinVar (database versions not stated): gnomAD exomes below 0.00001.
gnomAD v4.1: 6 of 1,610,810 alleles (0.00037%); highest among the groups gnomAD compares: Non-Finnish European, 0.00051%; no homozygotes.

Submission:

GeneDx
Classification: Uncertain significance. Last evaluated: 2017-08-15. Review status: criteria provided, single submitter. Criteria: GeneDx Variant Classification (06012015). Collection method: clinical testing. Allele origin: germline. Affected: yes.
Comment: The D367Y variant in the FGFR3 gene has not been reported previously as a pathogenic variant, nor as a benign variant, to our knowledge. The D367Y variant is not observed in large population cohorts (Lek et al., 2016; 1000 Genomes Consortium et al., 2015; Exome Variant Server). The D367Y variant is a non-conservative amino acid substitution, which is likely to impact secondary protein structure as these residues differ in polarity, charge, size and/or other properties. While this substitution occurs at a position that is not conserved, in silico analysis predicts this variant is probably damaging to the protein structure/function. We interpret D367Y as a variant of uncertain significance.

NM_000142.5(FGFR3):c.1099G>T (p.Asp367Tyr)

Gene: FGFR3 (fibroblast growth factor receptor 3; plus strand). Cytogenetic location: 4p16.3.
Variant type: single nucleotide variant.
Coding change: c.1099G>T on transcript NM_000142.5 (MANE Select); coding-DNA position 1099, G replaced by T.
Protein change: p.Asp367Tyr; replaces aspartic acid 367 with tyrosine.
Molecular consequence: missense variant. On other transcripts: non-coding transcript variant (1), intron variant (1).
Genome position (GRCh38, 1-based): chr4:1,804,353, G>T. VCF-style: chr4-1804353-G-T. GRCh37 (hg19) VCF-style: chr4-1806080-G-T.
Other names: c.1105G>T, p.Asp369Tyr (NM_001163213.2); c.1099G>T, p.Asp367Tyr (NM_001354809.2, NM_001354810.2); c.931-471G>T (NM_022965.4); short protein forms D367Y, D369Y.
Identifiers: ClinVar variation 451263 (VCV000451263.2), dbSNP rs1444200455, ClinGen allele CA355978866.
Genomic context (GRCh38, chr4:1,804,353, plus strand): 5'-GGGGCCAGGCCAGGCCTCAACGCCCATGTCTTTGCAGCCGAGGAGGAGCTGGTGGAGGCT[G>T]ACGAGGCGGGCAGTGTGTATGCAGGCATCCTCAGCTACGGGGTGGGCTTCTTCCTGTTCA-3'
Protein context (NP_000133.1, residues 357-377): LPAEEELVEA[Asp367Tyr]EAGSVYAGIL